The following is an entry in ClinVar:

NM_024589.3(ROGDI):c.828C>T (p.Ser276=)

Gene: ROGDI (rogdi atypical leucine zipper; minus strand). Cytogenetic location: 16p13.3.
Variant type: single nucleotide variant.
Coding change: c.828C>T on transcript NM_024589.3 (MANE Select); coding-DNA position 828, C replaced by T.
Protein change: p.Ser276=; no amino-acid change (serine 276 retained).
Molecular consequence: synonymous variant. On other transcripts: non-coding transcript variant (1).
Genome position (GRCh38, 1-based): chr16:4,797,496, G>A on the plus strand (C>T on the coding strand, the complement: ROGDI is on the minus strand). VCF-style: chr16-4797496-G-A. GRCh37 (hg19) VCF-style: chr16-4847497-G-A.
Identifiers: ClinVar variation 624079 (VCV000624079.50), dbSNP rs767023578, ClinGen allele CA7882422.

ClinVar aggregate classification (germline): Likely benign. Review status: criteria provided, multiple submitters, no conflicts (2 of 4 stars). 2 submissions from 2 submitters: Likely benign (2). Last evaluated 2026-08-01.

Conditions:
Amelocerebrohypohidrotic syndrome (KTZS). Also called: EPILEPSY AND YELLOW TEETH; EPILEPSY, DEMENTIA, AND AMELOGENESIS IMPERFECTA; KOHLSCHUTTER SYNDROME; Kohlschutter's syndrome. Identifiers: Orphanet 1946, MedGen C0406740, MONDO:0009185, OMIM 226750.

Allele frequency attached by ClinVar (database versions not stated): TOPMed 0.00002; ExAC 0.00003; gnomAD exomes 0.00003 and 0.00004; gnomAD 0.00004.

Submissions (2):

CeGaT Center for Human Genetics Tuebingen
Classification: Likely benign. Last evaluated: 2026-08-01. Review status: criteria provided, single submitter. Criteria: CeGaT Center For Human Genetics Tuebingen Variant Classification Criteria Version 2. Collection method: clinical testing. Allele origin: germline. Affected: yes. Observed: 2 variant alleles.
Comment: ROGDI: BP4, BP7

Labcorp Genetics (formerly Invitae), Labcorp
Classification: Likely benign for Amelocerebrohypohidrotic syndrome. Last evaluated: 2024-06-05. Review status: criteria provided, single submitter. Criteria: Invitae Variant Classification Sherloc (09022015). Collection method: clinical testing. Allele origin: germline.